The following is an entry in ClinVar:

NM_000203.5(IDUA):c.390del (p.Phe130fs)

Gene: IDUA (alpha-L-iduronidase; plus strand). Cytogenetic location: 4p16.3.
Variant type: Deletion.
Coding change: c.390del on transcript NM_000203.5 (MANE Select); coding-DNA position 390, one base deleted (T; older notation c.390delT).
Protein change: p.Phe130fs; shifts the reading frame from phenylalanine 130.
Molecular consequence: frameshift variant. On other transcripts: 5 prime UTR variant (1), non-coding transcript variant (1).
Genome position (GRCh38, 1-based): chr4:1,000,886, T deleted; the last of 3 consecutive T bases (chr4:1,000,884-1,000,886); deleting any one gives the same sequence. VCF-style (leftmost placement, unchanged base first): chr4-1000883-GT-G. GRCh37 (hg19) VCF-style: chr4-994671-GT-G.
Other names: c.-7del (NM_001363576.1); short protein forms F130fs.
Identifiers: ClinVar variation 623139 (VCV000623139.2), dbSNP rs1560545883, ClinGen allele CA913189778.
Genomic context (GRCh38, chr4:1,000,883, plus strand): 5'-CCTGGCAGAGCATGGGTGTGGTGTGTGGTGGGCGGTGGGGCAGCCCTCCTGTGTTCCAGG[GT>G]TTGAGCTGATGGGCAGCGCCTCGGGCCACTTCACTGACTTTGAGGACAAGCAGCAGGTGT-3'

ClinVar aggregate classification (germline): Pathogenic/Likely pathogenic. Review status: criteria provided, multiple submitters, no conflicts (2 of 4 stars). 2 submissions from 2 submitters: Pathogenic (1); Likely pathogenic (1). Last evaluated 2024-05-08.

Conditions:
Hurler syndrome. Also called: MUCOPOLYSACCHARIDOSIS TYPE IH; Severe MPS I (Hurler Syndrome); Gargoylism, Hurler Syndrome. Identifiers: Orphanet 93473, MedGen C0086795, MONDO:0011758, OMIM 607014.
Mucopolysaccharidosis type 1. Also called: IDUA deficiency; MPS I; Mucopolysaccharidosis Type I. Identifiers: Orphanet 579, MedGen C0023786, MONDO:0001586.

Submissions (2):

Myriad Genetics, Inc.
Classification: Pathogenic for Mucopolysaccharidosis type 1. Last evaluated: 2024-05-08. Review status: criteria provided, single submitter. Criteria: Myriad Autosomal Dominant, Autosomal Recessive and X-Linked Classification Criteria (2023). Collection method: clinical testing. Allele origin: unknown.
Comment: NM_000203.3(IDUA):c.390delT(F130Lfs*3) is expected to be pathogenic in the context of mucopolysaccharidosis type I. This variant is predicted to lead to an abnormal or absent protein product due to the creation of a premature termination codon in IDUA, a gene where loss-of-function variants are known to be pathogenic. Please note: this variant was assessed in the context of healthy population screening.

Molecular Diagnostics Laboratory, M Health Fairview: University of Minnesota
Classification: Likely pathogenic for Hurler syndrome. Last evaluated: 2018-06-08. Review status: criteria provided, single submitter. Criteria: ACMG Guidelines, 2015. Collection method: clinical testing. Allele origin: germline. Affected: yes. Observed: 1 variant allele.